The following is an entry in ClinVar:

NM_006270.5(RRAS):c.209G>A (p.Cys70Tyr)

Gene: RRAS (RAS related; minus strand). Cytogenetic location: 19q13.33.
Variant type: single nucleotide variant.
Coding change: c.209G>A on transcript NM_006270.5 (MANE Select); coding-DNA position 209, G replaced by A.
Protein change: p.Cys70Tyr; replaces cysteine 70 with tyrosine.
Molecular consequence: missense variant.
Genome position (GRCh38, 1-based): chr19:49,637,075, C>T on the plus strand (G>A on the coding strand, the complement: RRAS is on the minus strand). VCF-style: chr19-49637075-C-T. GRCh37 (hg19) VCF-style: chr19-50140332-C-T.
Other names: c.209G>A (NM_006270.3); short protein forms C70Y.
Identifiers: ClinVar variation 2144588 (VCV002144588.7), dbSNP rs1331975394, ClinGen allele CA406847908.
Genomic context (GRCh38, chr19:49,637,075, plus strand): 5'-ATCCATCATCCATCCTTGCCGCCCTCACTGTCCAGCCGGGCTGGGATGCCATCCACACTG[C>T]AGATCTTCGTGTAGGAGTCCTCAATAGTGGGGTCGTAGTCAGACACGAAGTAGGACTGGC-3'
Protein context (NP_006261.1, residues 60-80): PTIEDSYTKI[Cys70Tyr]SVDGIPARLD

ClinVar aggregate classification (germline): Uncertain significance. Review status: criteria provided, multiple submitters, no conflicts (2 of 4 stars). 2 submissions from 2 submitters: Uncertain significance (2). Last evaluated 2025-11-02.

Conditions:
Noonan syndrome (NS). Also called: Noonan's syndrome. Identifiers: Orphanet 648, MedGen C0028326, MeSH D009634, MONDO:0018997. Disease mechanism: gain of function.

Allele frequency attached by ClinVar (database versions not stated): TOPMed 0.00001; gnomAD 0.00002; gnomAD exomes 0.00002.
gnomAD v4.1: 33 of 1,613,610 alleles (0.002%); highest among the groups gnomAD compares: Non-Finnish European, 0.0028%; no homozygotes.

Submissions (2):

Ambry Genetics
Classification: Uncertain significance. Last evaluated: 2025-11-02. Review status: criteria provided, single submitter. Criteria: Ambry Variant Classification Scheme 2023. Collection method: clinical testing. Allele origin: germline.
Comment: The p.C70Y variant (also known as c.209G>A), located in coding exon 2 of the RRAS gene, results from a G to A substitution at nucleotide position 209. The cysteine at codon 70 is replaced by tyrosine, an amino acid with highly dissimilar properties. This amino acid position is conserved. In addition, the in silico prediction for this alteration is inconclusive. Since supporting evidence is limited at this time, the clinical significance of this alteration remains unclear.

Labcorp Genetics (formerly Invitae), Labcorp
Classification: Uncertain significance for Noonan syndrome. Last evaluated: 2022-09-14. Review status: criteria provided, single submitter. Criteria: Invitae Variant Classification Sherloc (09022015). Collection method: clinical testing. Allele origin: germline.
Comment: This sequence change replaces cysteine, which is neutral and slightly polar, with tyrosine, which is neutral and polar, at codon 70 of the RRAS protein (p.Cys70Tyr). This variant is present in population databases (no rsID available, gnomAD 0.0008%). This variant has not been reported in the literature in individuals affected with RRAS-related conditions. Algorithms developed to predict the effect of missense changes on protein structure and function are either unavailable or do not agree on the potential impact of this missense change (SIFT: "Deleterious"; PolyPhen-2: "Probably Damaging"; Align-GVGD: "Class C0"). In summary, the available evidence is currently insufficient to determine the role of this variant in disease. Therefore, it has been classified as a Variant of Uncertain Significance.